The following is an entry in ClinVar:

ClinVar aggregate classification (germline): Conflicting classifications of pathogenicity. Review status: criteria provided, conflicting classifications (1 of 4 stars). 5 submissions from 4 submitters: Uncertain significance (1); Benign (2); Likely benign (2). Last evaluated 2026-01-18.

Conditions:
Spherocytosis. Identifiers: MedGen C0553720, HP:0004444.
Hereditary spherocytosis type 1. Also called: Spherocytosis type 1; ANK1-Related Spherocytosis. Identifiers: Orphanet 822, MedGen C2674218, MONDO:0008447, OMIM 182900.

Allele frequency attached by ClinVar (database versions not stated): gnomAD exomes 0.00049; ExAC 0.00104; ESP Exome Variant Server 0.00108; gnomAD 0.00118 and 0.00122; TOPMed 0.00126; 1000 Genomes Project 30x 0.00172; 1000 Genomes Project 0.00180.
gnomAD v4.1: 476 of 1,597,748 alleles (0.03%); highest among the groups gnomAD compares: African/African-American, 0.38%; no homozygotes.

Submissions (5):

Labcorp Genetics (formerly Invitae), Labcorp
Classification: Benign. Last evaluated: 2026-01-18. Review status: criteria provided, single submitter. Criteria: Invitae Variant Classification Sherloc (09022015). Collection method: clinical testing. Allele origin: germline.

Blueprint Genetics
Classification: Likely benign. Last evaluated: 2024-10-02. Review status: criteria provided, single submitter. Criteria: ACMG Guidelines, 2015. Collection method: clinical testing. Allele origin: germline.

ARUP Laboratories, Molecular Genetics and Genomics, ARUP Laboratories
Classification: Benign for Hereditary spherocytosis type 1. Last evaluated: 2024-04-23. Review status: criteria provided, single submitter. Criteria: ARUP Molecular Germline Variant Investigation Process 2024. Collection method: clinical testing. Allele origin: germline.

Illumina Laboratory Services, Illumina
Classification: Likely benign for Hereditary spherocytosis type 1. Last evaluated: 2018-01-13. Review status: criteria provided, single submitter. Criteria: ICSL Variant Classification Criteria 13 December 2019. Collection method: clinical testing. Allele origin: germline.
Comment: This variant was observed in the ICSL laboratory as part of a predisposition screen in an ostensibly healthy population. It had not been previously curated by ICSL or reported in the Human Gene Mutation Database (HGMD: prior to June 1st, 2018), and was therefore a candidate for classification through an automated scoring system. Utilizing variant allele frequency, disease prevalence and penetrance estimates, and inheritance mode, an automated score was calculated to assess if this variant is too frequent to cause the disease. Based on the score and internal cut-off values, a variant classified as likely benign is not then subjected to further curation. The score for this variant resulted in a classification of likely benign for this disease.

Illumina Laboratory Services, Illumina
Classification: Uncertain significance for Spherocytosis. Last evaluated: 2018-01-13. Review status: criteria provided, single submitter. Criteria: ICSL Variant Classification Criteria 13 December 2019. Collection method: clinical testing. Allele origin: germline.

NM_000037.4(ANK1):c.3532+13C>A

Gene: ANK1 (ankyrin 1; minus strand). Cytogenetic location: 8p11.21.
Variant type: single nucleotide variant.
Coding change: c.3532+13C>A on transcript NM_000037.4 (MANE Select); 13 bases into the intron after coding-DNA position 3532, C replaced by A.
Molecular consequence: intron variant.
Genome position (GRCh38, 1-based): chr8:41,693,885, G>T on the plus strand (C>A on the coding strand, the complement: ANK1 is on the minus strand). VCF-style: chr8-41693885-G-T. GRCh37 (hg19) VCF-style: chr8-41551403-G-T.
Other names: c.3655+13C>A (NM_001142446.2); c.3532+13C>A (NM_020477.3, NM_020475.3, NM_020476.3).
Identifiers: ClinVar variation 363003 (VCV000363003.16), dbSNP rs181905023, ClinGen allele CA4727857.
Genomic context (GRCh38, chr8:41,693,885, plus strand): 5'-GAGTCACCCCCCTACTGTGTTCCAGACGCACTGCAGCAGCCGAGAACAGAAGCGAGGCAG[G>T]GGCCCCTCTCACCAATGACGCTGCAAAGCAGGCGCAGGCTGGTGGTGTCTCCCTCCCCGC-3'